The following is an entry in ClinVar:

NM_016122.3(CEP83):c.790A>G (p.Arg264Gly)

Gene: CEP83 (centrosomal protein 83; minus strand). Cytogenetic location: 12q22.
Variant type: single nucleotide variant.
Coding change: c.790A>G on transcript NM_016122.3 (MANE Select); coding-DNA position 790, A replaced by G.
Protein change: p.Arg264Gly; replaces arginine 264 with glycine.
Molecular consequence: missense variant. On other transcripts: non-coding transcript variant (3).
Genome position (GRCh38, 1-based): chr12:94,378,802, T>C on the plus strand (A>G on the coding strand, the complement: CEP83 is on the minus strand). VCF-style: chr12-94378802-T-C. GRCh37 (hg19) VCF-style: chr12-94772578-T-C.
Other names: c.790A>G, p.Arg264Gly (NM_001042399.2, NM_001346457.2, NM_001346460.2 and 3 more transcripts); c.478A>G, p.Arg160Gly (NM_001346458.2, NM_001346459.2, NM_001346462.2 and 2 more transcripts); c.565A>G, p.Arg189Gly (NM_001368041.1); c.253A>G, p.Arg85Gly (NM_001368042.1); short protein forms R189G, R264G, R160G, R85G.
Identifiers: ClinVar variation 850319 (VCV000850319.9), dbSNP rs1197540570, ClinGen allele CA386146612.

ClinVar aggregate classification (germline): Uncertain significance (1 of 4 stars; one submission).

Conditions:
Nephronophthisis 18 (NPHP18). Identifiers: Orphanet 655, MedGen C3890591, MONDO:0014374, OMIM 615862.

Allele frequency attached by ClinVar (database versions not stated): gnomAD exomes below 0.00001 and 0.00001; gnomAD 0.00001; TOPMed 0.00001.
gnomAD v4.1: 5 of 1,613,920 alleles (0.00031%); highest among the groups gnomAD compares: Non-Finnish European, 0.00034%; no homozygotes.

Submission:

Labcorp Genetics (formerly Invitae), Labcorp
Classification: Uncertain significance for Nephronophthisis 18. Last evaluated: 2023-12-21. Review status: criteria provided, single submitter. Criteria: Invitae Variant Classification Sherloc (09022015). Collection method: clinical testing. Allele origin: germline.
Comment: This sequence change replaces arginine, which is basic and polar, with glycine, which is neutral and non-polar, at codon 264 of the CEP83 protein (p.Arg264Gly). This variant is present in population databases (no rsID available, gnomAD 0.0009%). This variant has not been reported in the literature in individuals affected with CEP83-related conditions. ClinVar contains an entry for this variant (Variation ID: 850319). Advanced modeling of protein sequence and biophysical properties (such as structural, functional, and spatial information, amino acid conservation, physicochemical variation, residue mobility, and thermodynamic stability) has been performed at Invitae for this missense variant, however the output from this modeling did not meet the statistical confidence thresholds required to predict the impact of this variant on CEP83 protein function. In summary, the available evidence is currently insufficient to determine the role of this variant in disease. Therefore, it has been classified as a Variant of Uncertain Significance.